The following is an entry in ClinVar:

ClinVar aggregate classification (germline): Pathogenic. Review status: criteria provided, multiple submitters, no conflicts (2 of 4 stars). 4 submissions from 4 submitters: Pathogenic (4). Last evaluated 2025-03-25.

Conditions:
Familial cancer of breast. Also called: Hereditary breast cancer; BREAST CANCER, FAMILIAL; hereditary breast carcinoma. Identifiers: Orphanet 227535, MedGen C0346153, MONDO:0016419, OMIM 114480. Disease mechanism: loss of function.
Fanconi anemia complementation group J. Also called: BRIP1-Related Fanconi Anemia. Identifiers: Orphanet 84, MedGen C1836860, MONDO:0012187, OMIM 609054.
Hereditary cancer-predisposing syndrome. Also called: Tumor predisposition; Neoplastic Syndromes, Hereditary; Hereditary neoplastic syndrome; Hereditary Cancer Syndrome. Identifiers: Orphanet 140162, MedGen C0027672, MeSH D009386, MONDO:0015356.

Allele frequency attached by ClinVar (database versions not stated): ExAC 0.00001.

Submissions (4):

Ambry Genetics
Classification: Pathogenic for Hereditary cancer-predisposing syndrome. Last evaluated: 2025-03-25. Review status: criteria provided, single submitter. Criteria: Ambry Variant Classification Scheme 2023. Collection method: clinical testing. Allele origin: germline.
Comment: The c.1488_1500del13 pathogenic mutation, located in coding exon 10 of the BRIP1 gene, results from a deletion of 13 nucleotides at nucleotide positions 1488 to 1500, causing a translational frameshift with a predicted alternate stop codon (p.V497Rfs*25). This alteration is expected to result in loss of function by premature protein truncation or nonsense-mediated mRNA decay. As such, this alteration is interpreted as a disease-causing mutation.

Labcorp Genetics (formerly Invitae), Labcorp
Classification: Pathogenic for Familial cancer of breast; Fanconi anemia complementation group J. Last evaluated: 2023-08-18. Review status: criteria provided, single submitter. Criteria: Invitae Variant Classification Sherloc (09022015). Collection method: clinical testing. Allele origin: germline.
Comment: This variant has not been reported in the literature in individuals affected with BRIP1-related conditions. For these reasons, this variant has been classified as Pathogenic. Algorithms developed to predict the effect of sequence changes on RNA splicing suggest that this variant may disrupt the consensus splice site. ClinVar contains an entry for this variant (Variation ID: 1068503). This variant is present in population databases (rs747214372, gnomAD 0.003%). This sequence change creates a premature translational stop signal (p.Val497Argfs*25) in the BRIP1 gene. It is expected to result in an absent or disrupted protein product. Loss-of-function variants in BRIP1 are known to be pathogenic (PMID: 16116423, 17033622, 21964575).

Myriad Genetics, Inc.
Classification: Pathogenic for Familial cancer of breast. Last evaluated: 2023-06-02. Review status: criteria provided, single submitter. Criteria: Myriad Autosomal Dominant, Autosomal Recessive and X-Linked Classification Criteria (2023). Collection method: clinical testing. Allele origin: unknown.
Comment: This variant is considered pathogenic. This variant creates a frameshift predicted to result in premature protein truncation.

Quest Diagnostics Nichols Institute San Juan Capistrano
Classification: Pathogenic. Last evaluated: 2023-05-15. Review status: criteria provided, single submitter. Criteria: Quest Diagnostics criteria. Collection method: clinical testing. Allele origin: unknown.
Comment: This frameshift variant alters the translational reading frame of the BRIP1 mRNA and causes the premature termination of BRIP1 protein synthesis. The variant has not been reported in individuals with BRIP1-related diseases in the published literature. The frequency of this variant in the general population, 0.000004 (1/251340 chromosomes), is consistent with pathogenicity. Based on the available information, this variant is classified as pathogenic.

Literature cited by the submitters: PubMed 16116423 (cited by Labcorp Genetics (formerly Invitae), Labcorp); PubMed 17033622 (cited by Labcorp Genetics (formerly Invitae), Labcorp); PubMed 21964575 (cited by Labcorp Genetics (formerly Invitae), Labcorp).

NM_032043.3(BRIP1):c.1488_1500del (p.Val497fs)

Gene: BRIP1 (BRCA1 interacting DNA helicase 1; minus strand). Cytogenetic location: 17q23.2.
Variant type: Deletion.
Coding change: c.1488_1500del on transcript NM_032043.3 (MANE Select); coding-DNA positions 1488 to 1500, 13 bases deleted (TGTTCTTCAAAAA).
Protein change: p.Val497fs; shifts the reading frame from valine 497.
Molecular consequence: frameshift variant.
Genome position (GRCh38, 1-based): chr17:61,784,398-61,784,410, TTTTTGAAGAACA deleted on the plus strand (TGTTCTTCAAAAA on the coding strand, the reverse complement: BRIP1 is on the minus strand). VCF-style (leftmost placement, unchanged base first): chr17-61784397-CTTTTTGAAGAACA-C. GRCh37 (hg19) VCF-style: chr17-59861758-CTTTTTGAAGAACA-C.
Other names: c.1488_1500del13 (NM_032043.2); c.1488_1500del (NM_032043.2); short protein forms V497fs.
Identifiers: ClinVar variation 1068503 (VCV001068503.14), dbSNP rs747214372, ClinGen allele CA8690718.
Genomic context (GRCh38, chr17:61,784,397, plus strand): 5'-CACTAATAACAGGTACTTCTCTTGCCTCCTCTTTACCATAAATTGGTGAGATTTTTTCCT[CTTTTTGAAGAACA>C]GCAGAAAAATGTCCCTATAAGAAATTACCATATTAAGTATAGAGGGGTTGGGAGGGAATT-3'